The following is an entry in ClinVar:

ClinVar aggregate classification (germline): Conflicting classifications of pathogenicity. Review status: criteria provided, conflicting classifications (1 of 4 stars). 11 submissions from 11 submitters: Uncertain significance (2); Benign (1); Likely benign (6). 2 of the submissions do not count toward it. Last evaluated 2026-08-01.

Conditions:
COL6A2-related disorder.
Bethlem myopathy 1A. Also called: Bethlem Muscular Dystrophy; MYOPATHY, BENIGN CONGENITAL, WITH CONTRACTURES; Bethlem myopathy 1. Identifiers: Orphanet 610, MedGen CN029274, MONDO:0024530, OMIM 158810.
Bethlem myopathy. Identifiers: Orphanet 610, MedGen C1834674, MONDO:0008029.
Collagen 6-related myopathy. Identifiers: MedGen CN117976, MONDO:0100225.

Allele frequency attached by ClinVar (database versions not stated): 1000 Genomes Project 30x 0.00016; 1000 Genomes Project 0.00020; TOPMed 0.00061; ESP Exome Variant Server 0.00062; gnomAD 0.00078 and 0.00083.
gnomAD v4.1: 1,592 of 1,613,102 alleles (0.099%); highest among the groups gnomAD compares: Non-Finnish European, 0.11%; 3 homozygotes.

Submissions (11):

CeGaT Center for Human Genetics Tuebingen
Classification: Likely benign. Last evaluated: 2026-08-01. Review status: criteria provided, single submitter. Criteria: CeGaT Center For Human Genetics Tuebingen Variant Classification Criteria Version 2. Collection method: clinical testing. Allele origin: germline. Affected: yes. Observed: 8 variant alleles.
Comment: COL6A2: BS1

Labcorp Genetics (formerly Invitae), Labcorp
Classification: Likely benign for Bethlem myopathy 1A. Last evaluated: 2026-01-21. Review status: criteria provided, single submitter. Criteria: Invitae Variant Classification Sherloc (09022015). Collection method: clinical testing. Allele origin: germline.

Mayo Clinic Laboratories, Mayo Clinic
Classification: Uncertain significance. Last evaluated: 2025-03-31. Review status: criteria provided, single submitter. Criteria: ACMG Guidelines, 2015. Collection method: clinical testing. Allele origin: germline. Observed: 1 variant allele.
Comment: BS1

Blueprint Genetics
Classification: Likely benign. Last evaluated: 2024-11-21. Review status: criteria provided, single submitter. Criteria: ACMG Guidelines, 2015. Collection method: clinical testing. Allele origin: germline.

Revvity Omics, Revvity
Classification: Likely benign. Last evaluated: 2023-04-12. Review status: criteria provided, single submitter. Criteria: ACMG Guidelines, 2015. Collection method: clinical testing. Allele origin: germline.

Department of Pathology and Laboratory Medicine, Sinai Health System
Classification: Likely benign for collagen 6-related myopathy. Last evaluated: 2021-07-30. Review status: criteria provided, single submitter. Criteria: ACMG Guidelines, 2015. Collection method: research. Allele origin: germline.

GeneDx
Classification: Likely benign. Last evaluated: 2019-07-24. Review status: criteria provided, single submitter. Criteria: GeneDx Variant Classification Process June 2021. Collection method: clinical testing. Allele origin: germline. Affected: yes.
Comment: Observed in an individual with cerebral palsy in published literature, however no additional clinical details were available (Pingel et al., 2019); In silico analysis, which includes protein predictors and evolutionary conservation, supports a deleterious effect; This variant is associated with the following publications: (PMID: 30564623, 30467950)

Eurofins Ntd Llc (ga)
Classification: Uncertain significance. Last evaluated: 2018-02-21. Review status: criteria provided, single submitter. Criteria: EGL ClinVar v180209 classification definitions. Collection method: clinical testing. Allele origin: germline. Observed: 5 variant alleles, 5 heterozygotes.

Illumina Laboratory Services, Illumina
Classification: Benign for Collagen VI-related myopathy. Last evaluated: 2018-01-12. Review status: criteria provided, single submitter. Criteria: ICSL Variant Classification Criteria 13 December 2019. Collection method: clinical testing. Allele origin: germline.
Comment: This variant was observed in the ICSL laboratory as part of a predisposition screen in an ostensibly healthy population. It had not been previously curated by ICSL or reported in the Human Gene Mutation Database (HGMD: prior to June 1st, 2018), and was therefore a candidate for classification through an automated scoring system. Utilizing variant allele frequency, disease prevalence and penetrance estimates, and inheritance mode, an automated score was calculated to assess if this variant is too frequent to cause the disease. Based on the score and internal cut-off values, a variant classified as benign is not then subjected to further curation. The score for this variant resulted in a classification of benign for this disease.

PreventionGenetics, part of Exact Sciences
Classification: Likely benign for COL6A2-related condition. Last evaluated: 2022-10-04. Review status: no assertion criteria provided. Collection method: clinical testing. Allele origin: germline. Not counted in ClinVar's aggregate classification.
Comment: This variant is classified as likely benign based on ACMG/AMP sequence variant interpretation guidelines (Richards et al. 2015 PMID: 25741868, with internal and published modifications).

Neuromuscular Department, Shariati Hospital, Tehran University of Medical Sciences
Classification: Uncertain significance for Bethlem myopathy. Last evaluated: 2020-10-19. Review status: no assertion criteria provided. Collection method: clinical testing. Allele origin: germline. Affected: yes. Observed: 1 variant allele. Not counted in ClinVar's aggregate classification.

Literature cited by the submitters: PubMed 30467950 (cited by Mayo Clinic Laboratories, Mayo Clinic).

NM_001849.4(COL6A2):c.2170C>T (p.Arg724Cys)

Gene: COL6A2 (collagen type VI alpha 2 chain; plus strand). Cytogenetic location: 21q22.3.
Variant type: single nucleotide variant.
Coding change: c.2170C>T on transcript NM_001849.4 (MANE Select); coding-DNA position 2170, C replaced by T.
Protein change: p.Arg724Cys; replaces arginine 724 with cysteine.
Molecular consequence: missense variant.
Genome position (GRCh38, 1-based): chr21:46,125,985, C>T. VCF-style: chr21-46125985-C-T. GRCh37 (hg19) VCF-style: chr21-47545899-C-T.
Other names: c.2170C>T, p.Arg724Cys (NM_058174.3, NM_058175.3); short protein forms R724C.
Identifiers: ClinVar variation 286822 (VCV000286822.54), dbSNP rs150098077, ClinGen allele CA10072456.